The following is an entry in ClinVar:

ClinVar aggregate classification (germline): Uncertain significance (1 of 4 stars; one submission).

Conditions:
Hydrocephalus, nonsyndromic, autosomal recessive 1 (HYC1). Also called: Congenital hydrocephalus 1; Hydrocephalus, nonsyndromic, autosomal recessive. Identifiers: Orphanet 2185, MedGen C3887608, MONDO:0009360, OMIM 236600.

Allele frequency attached by ClinVar (database versions not stated): gnomAD 0.00002; gnomAD exomes 0.00002; TOPMed 0.00002; ExAC 0.00003.
gnomAD v4.1: 39 of 1,576,596 alleles (0.0025%); highest among the groups gnomAD compares: African/African-American, 0.0041%; no homozygotes.

Submission:

Centre for Mendelian Genomics, University Medical Centre Ljubljana
Classification: Uncertain significance for Hydrocephalus, nonsyndromic, autosomal recessive 1. Last evaluated: 2018-10-12. Review status: criteria provided, single submitter. Criteria: ACMG Guidelines, 2015. Collection method: clinical testing. Allele origin: unknown. Affected: yes.
Comment: This variant was classified as: Uncertain significance. The available evidence on this variant's pathogenicity is insufficient or conflicting. The following ACMG criteria were applied in classifying this variant: PP3.

NM_001080414.4(CCDC88C):c.5281G>A (p.Glu1761Lys)

Gene: CCDC88C (coiled-coil and HOOK domain protein 88C; minus strand). Cytogenetic location: 14q32.11.
Variant type: single nucleotide variant.
Coding change: c.5281G>A on transcript NM_001080414.4 (MANE Select); coding-DNA position 5281, G replaced by A.
Protein change: p.Glu1761Lys; replaces glutamic acid 1761 with lysine.
Molecular consequence: missense variant.
Genome position (GRCh38, 1-based): chr14:91,273,431, C>T on the plus strand (G>A on the coding strand, the complement: CCDC88C is on the minus strand). VCF-style: chr14-91273431-C-T. GRCh37 (hg19) VCF-style: chr14-91739775-C-T.
Other names: short protein forms E1761K.
Identifiers: ClinVar variation 930883 (VCV000930883.3), dbSNP rs761288523, ClinGen allele CA7308685.